The following is an entry in ClinVar:

NM_002473.6(MYH9):c.2347A>G (p.Ile783Val)

Gene: MYH9 (myosin heavy chain 9; minus strand). Cytogenetic location: 22q12.3.
Variant type: single nucleotide variant.
Coding change: c.2347A>G on transcript NM_002473.6 (MANE Select); coding-DNA position 2347, A replaced by G.
Protein change: p.Ile783Val; replaces isoleucine 783 with valine.
Molecular consequence: missense variant.
Genome position (GRCh38, 1-based): chr22:36,304,038, T>C on the plus strand (A>G on the coding strand, the complement: MYH9 is on the minus strand). VCF-style: chr22-36304038-T-C. GRCh37 (hg19) VCF-style: chr22-36700084-T-C.
Other names: short protein forms I783V.
Identifiers: ClinVar variation 2892598 (VCV002892598.4), dbSNP rs761808742, ClinGen allele CA10210007.
Genomic context (GRCh38, chr22:36,304,038, plus strand): 5'-TATCTCCCGGGACTCACTTCCTGGCCAGGTAGCCCCTGCAGCAGGCCTGGAACCCTATGA[T>C]GACGTCGGTGATCTTCAGGTCTCGCTCCTCCTCCAGGTGGGCCAGCACACCGGCACGGAA-3'
Protein context (NP_002464.1, residues 773-793): EERDLKITDV[Ile783Val]IGFQACCRGY

ClinVar aggregate classification (germline): Conflicting classifications of pathogenicity. Review status: criteria provided, conflicting classifications (1 of 4 stars). 2 submissions from 2 submitters: Uncertain significance (1); Likely benign (1). Last evaluated 2026-01-07.

Allele frequency attached by ClinVar (database versions not stated): TOPMed 0.00001; gnomAD 0.00002; ExAC 0.00002; gnomAD exomes 0.00001.
gnomAD v4.1: 19 of 1,613,686 alleles (0.0012%); highest among the groups gnomAD compares: Admixed American, 0.0017%; no homozygotes.

Submissions (2):

Labcorp Genetics (formerly Invitae), Labcorp
Classification: Likely benign. Last evaluated: 2026-01-07. Review status: criteria provided, single submitter. Criteria: Invitae Variant Classification Sherloc (09022015). Collection method: clinical testing. Allele origin: germline.

Laboratory for Molecular Medicine, Mass General Brigham Personalized Medicine
Classification: Uncertain significance. Last evaluated: 2023-08-22. Review status: criteria provided, single submitter. Criteria: ACMG Guidelines, 2015. Collection method: clinical testing. Allele origin: germline.
Comment: The p.Ile783Val variant in MYH9 has not been previously reported in individuals with hearing loss but has been identified in 0.004% (3/68026) of European chromosomes by gnomAD (v.3.1.2). Computational prediction tools and conservation analyses suggest that this variant may not impact the protein, though this information is not predictive enough to rule out pathogenicity. In summary, the clinical significance of this variant is uncertain. ACMG/AMP Criteria applied: BP4.